The following is an entry in ClinVar:

NM_002439.5(MSH3):c.2275T>G (p.Ser759Ala)

Gene: MSH3 (mutS homolog 3; plus strand). Cytogenetic location: 5q14.1.
Variant type: single nucleotide variant.
Coding change: c.2275T>G on transcript NM_002439.5 (MANE Select); coding-DNA position 2275, T replaced by G.
Protein change: p.Ser759Ala; replaces serine 759 with alanine.
Molecular consequence: missense variant.
Genome position (GRCh38, 1-based): chr5:80,775,715, T>G. VCF-style: chr5-80775715-T-G. GRCh37 (hg19) VCF-style: chr5-80071534-T-G.
Other names: short protein forms S759A.
Identifiers: ClinVar variation 965192 (VCV000965192.12), dbSNP rs1744285928, ClinGen allele CA360280769.

ClinVar aggregate classification (germline): Uncertain significance. Review status: criteria provided, multiple submitters, no conflicts (2 of 4 stars). 2 submissions from 2 submitters: Uncertain significance (2). Last evaluated 2024-08-12.

Conditions:
Hereditary cancer-predisposing syndrome. Also called: Hereditary neoplastic syndrome; Neoplastic Syndromes, Hereditary; Hereditary Cancer Syndrome; Tumor predisposition. Identifiers: Orphanet 140162, MedGen C0027672, MeSH D009386, MONDO:0015356.

Submissions (2):

Labcorp Genetics (formerly Invitae), Labcorp
Classification: Uncertain significance. Last evaluated: 2024-08-12. Review status: criteria provided, single submitter. Criteria: Invitae Variant Classification Sherloc (09022015). Collection method: clinical testing. Allele origin: germline.
Comment: This sequence change replaces serine, which is neutral and polar, with alanine, which is neutral and non-polar, at codon 759 of the MSH3 protein (p.Ser759Ala). This variant is not present in population databases (gnomAD no frequency). This variant has not been reported in the literature in individuals affected with MSH3-related conditions. ClinVar contains an entry for this variant (Variation ID: 965192). An algorithm developed to predict the effect of missense changes on protein structure and function (PolyPhen-2) suggests that this variant is likely to be tolerated. In summary, the available evidence is currently insufficient to determine the role of this variant in disease. Therefore, it has been classified as a Variant of Uncertain Significance.

Ambry Genetics
Classification: Uncertain significance for Hereditary cancer-predisposing syndrome. Last evaluated: 2020-09-17. Review status: criteria provided, single submitter. Criteria: Ambry Variant Classification Scheme 2023. Collection method: clinical testing. Allele origin: germline.
Comment: The p.S759A variant (also known as c.2275T>G), located in coding exon 16 of the MSH3 gene, results from a T to G substitution at nucleotide position 2275. The serine at codon 759 is replaced by alanine, an amino acid with similar properties. This amino acid position is well conserved in available vertebrate species. In addition, the in silico prediction for this alteration is inconclusive. Since supporting evidence is limited at this time, the clinical significance of this alteration remains unclear.